The following is an entry in ClinVar:

NM_001164665.2(KIAA1549):c.2646A>C (p.Glu882Asp)

Gene: KIAA1549 (KIAA1549; minus strand). Cytogenetic location: 7q34.
Variant type: single nucleotide variant.
Coding change: c.2646A>C on transcript NM_001164665.2 (MANE Select); coding-DNA position 2646, A replaced by C.
Protein change: p.Glu882Asp; replaces glutamic acid 882 with aspartic acid.
Molecular consequence: missense variant.
Genome position (GRCh38, 1-based): chr7:138,916,980, T>G on the plus strand (A>C on the coding strand, the complement: KIAA1549 is on the minus strand). VCF-style: chr7-138916980-T-G. GRCh37 (hg19) VCF-style: chr7-138601726-T-G.
Other names: c.2646A>C, p.Glu882Asp (NM_020910.3); short protein forms E882D.
Identifiers: ClinVar variation 1962065 (VCV001962065.5), dbSNP rs2485555567, ClinGen allele CA369392254.

ClinVar aggregate classification (germline): Uncertain significance (1 of 4 stars; one submission).

Submission:

Labcorp Genetics (formerly Invitae), Labcorp
Classification: Uncertain significance. Last evaluated: 2022-02-21. Review status: criteria provided, single submitter. Criteria: Invitae Variant Classification Sherloc (09022015). Collection method: clinical testing. Allele origin: germline.
Comment: This sequence change replaces glutamic acid, which is acidic and polar, with aspartic acid, which is acidic and polar, at codon 882 of the KIAA1549 protein (p.Glu882Asp). This variant is not present in population databases (gnomAD no frequency). This variant has not been reported in the literature in individuals affected with KIAA1549-related conditions. Algorithms developed to predict the effect of missense changes on protein structure and function output the following: SIFT: "Tolerated"; PolyPhen-2: "Benign"; Align-GVGD: "Class C0". The aspartic acid amino acid residue is found in multiple mammalian species, which suggests that this missense change does not adversely affect protein function. In summary, the available evidence is currently insufficient to determine the role of this variant in disease. Therefore, it has been classified as a Variant of Uncertain Significance.